The following is an entry in ClinVar:

ClinVar aggregate classification (germline): Uncertain significance. Review status: criteria provided, multiple submitters, no conflicts (2 of 4 stars). 5 submissions from 5 submitters: Uncertain significance (5). Last evaluated 2026-09-09.

Conditions:
Hypertrophic cardiomyopathy 25 (CMH25). Also called: CARDIOMYOPATHY, FAMILIAL HYPERTROPHIC, 25. Identifiers: MedGen C4225408, MONDO:0011843, OMIM 607487.
Primary familial hypertrophic cardiomyopathy (HCM). Identifiers: Orphanet 99739, MedGen C0949658, MeSH D024741, MONDO:0024573. Inheritance: Various modes of inheritance.
TCAP-related disorder. Also called: TCAP-related condition.

Allele frequency attached by ClinVar (database versions not stated): ExAC 0.00001; gnomAD exomes 0.00002; 1000 Genomes Project 30x 0.00016; 1000 Genomes Project 0.00020; gnomAD 0.00001; TOPMed 0.00001.
gnomAD v4.1: 18 of 1,613,704 alleles (0.0011%); highest among the groups gnomAD compares: Non-Finnish European, 0.0014%; no homozygotes.

Submissions (5):

PreventionGenetics, part of Exact Sciences
Classification: Uncertain significance for TCAP-related condition. Last evaluated: 2026-09-09. Review status: criteria provided, single submitter. Criteria: ACMG Guidelines, 2015. Collection method: clinical testing. Allele origin: germline.
Comment: The TCAP c.16C>A variant is predicted to result in the amino acid substitution p.Leu6Met. This variant has been reported as a variant of uncertain significance in an individual with ischemic cardiomyopathy (Cuesta-Llavona et al. 2022. DOI 10.3390/cardiogenetics12020018). This variant is reported in 0.0062% of alleles in individuals of African descent in gnomAD. At this time, the clinical significance of this variant is uncertain due to the absence of conclusive functional and genetic evidence.

Labcorp Genetics (formerly Invitae), Labcorp
Classification: Uncertain significance for Hypertrophic cardiomyopathy 25; Primary familial hypertrophic cardiomyopathy. Last evaluated: 2025-12-22. Review status: criteria provided, single submitter. Criteria: Invitae Variant Classification Sherloc (09022015). Collection method: clinical testing. Allele origin: germline.
Comment: This sequence change replaces leucine, which is neutral and non-polar, with methionine, which is neutral and non-polar, at codon 6 of the TCAP protein (p.Leu6Met). This variant is present in population databases (rs201664428, gnomAD 0.007%). This variant has not been reported in the literature in individuals affected with TCAP-related conditions. ClinVar contains an entry for this variant (Variation ID: 44704). An algorithm developed to predict the effect of missense changes on protein structure and function (PolyPhen-2) suggests that this variant is likely to be disruptive. In summary, the available evidence is currently insufficient to determine the role of this variant in disease. Therefore, it has been classified as a Variant of Uncertain Significance.

GeneDx
Classification: Uncertain significance. Last evaluated: 2022-05-09. Review status: criteria provided, single submitter. Criteria: GeneDx Variant Classification Process June 2021. Collection method: clinical testing. Allele origin: germline. Affected: yes.
Comment: Has not been previously published as pathogenic or benign to our knowledge; Not observed at significant frequency in large population cohorts (gnomAD); In silico analysis supports that this missense variant does not alter protein structure/function

Revvity Omics, Revvity
Classification: Uncertain significance. Last evaluated: 2020-11-16. Review status: criteria provided, single submitter. Criteria: ACMG Guidelines, 2015. Collection method: clinical testing. Allele origin: germline.

Laboratory for Molecular Medicine, Mass General Brigham Personalized Medicine
Classification: Uncertain significance. Last evaluated: 2012-12-06. Review status: criteria provided, single submitter. Criteria: LMM Criteria. Collection method: clinical testing. Allele origin: germline. Observed: 1 variant allele.
Comment: The Leu6Met variant in TCAP has not been reported in the literature nor previous ly identified by our laboratory. This variant has not been identified in large a nd broad European American and African American populations by the NHLBI Exome S equencing Project, but was identified in 1/12 2 African American chromosomes from a broad population by the 1000 Genomes proje ct (dbSNP rs201664428). It remains possible that this variant is common in other populations. Computational analyses (biochemical amino acid properties, conserv ation, AlignGVGD, PolyPhen2, and SIFT) do not provide strong support for or agai nst an impact to the protein. In summary, additional information is needed to fu ll assess the clinical significance of this variant.

NM_003673.4(TCAP):c.16C>A (p.Leu6Met)

Gene: TCAP (titin-cap; plus strand). Cytogenetic location: 17q12.
Variant type: single nucleotide variant.
Coding change: c.16C>A on transcript NM_003673.4 (MANE Select); coding-DNA position 16, C replaced by A.
Protein change: p.Leu6Met; replaces leucine 6 with methionine.
Molecular consequence: missense variant.
Genome position (GRCh38, 1-based): chr17:39,665,375, C>A. VCF-style: chr17-39665375-C-A. GRCh37 (hg19) VCF-style: chr17-37821628-C-A.
Other names: short protein forms L6M.
Identifiers: ClinVar variation 44704 (VCV000044704.16), dbSNP rs201664428, ClinGen allele CA134917.